The following is an entry in ClinVar:

NM_001358530.2(MOCS1):c.870+19G>A

Gene: MOCS1 (molybdenum cofactor synthesis 1; minus strand). Cytogenetic location: 6p21.2.
Variant type: single nucleotide variant.
Coding change: c.870+19G>A on transcript NM_001358530.2 (MANE Select); 19 bases into the intron after coding-DNA position 870, G replaced by A.
Molecular consequence: intron variant.
Genome position (GRCh38, 1-based): chr6:39,912,873, C>T on the plus strand (G>A on the coding strand, the complement: MOCS1 is on the minus strand). VCF-style: chr6-39912873-C-T. GRCh37 (hg19) VCF-style: chr6-39880617-C-T.
Other names: c.609+19G>A (NM_001358531.2, NM_001358533.2, NM_001358534.2); c.870+19G>A (NM_001358529.2, NM_001075098.4, NM_005943.6).
Identifiers: ClinVar variation 1539118 (VCV001539118.10), dbSNP rs370411582, ClinGen allele CA3796132.

ClinVar aggregate classification (germline): Conflicting classifications of pathogenicity. Review status: criteria provided, conflicting classifications (1 of 4 stars). 3 submissions from 3 submitters: Uncertain significance (1); Benign (1); Likely benign (1). Last evaluated 2026-02-01.

Conditions:
Sulfite oxidase deficiency due to molybdenum cofactor deficiency type A. Also called: Molybdenum cofactor deficiency, complementation group A; Molybdenum Cofactor Deficiency A. Identifiers: Orphanet 308386, Orphanet 833, MedGen C1854988, MONDO:0009643, OMIM 252150.

Allele frequency attached by ClinVar (database versions not stated): ESP Exome Variant Server 0.00046; ExAC 0.00058; 1000 Genomes Project 0.00060; gnomAD exomes 0.00066 and 0.00091; gnomAD 0.00068 and 0.00073; TOPMed 0.00071; 1000 Genomes Project 30x 0.00078.

Submissions (3):

Labcorp Genetics (formerly Invitae), Labcorp
Classification: Benign for Sulfite oxidase deficiency due to molybdenum cofactor deficiency type A. Last evaluated: 2026-02-01. Review status: criteria provided, single submitter. Criteria: Invitae Variant Classification Sherloc (09022015). Collection method: clinical testing. Allele origin: germline.

Women's Health and Genetics/Laboratory Corporation of America, LabCorp
Classification: Uncertain significance. Last evaluated: 2025-07-16. Review status: criteria provided, single submitter. Criteria: LabCorp Variant Classification Summary - May 2015. Collection method: clinical testing. Allele origin: germline.
Comment: Variant summary: MOCS1 c.870+19G>A alters a nucleotide located at a position not widely known to affect splicing. Several computational tools predict a significant impact on normal splicing: Three predict the variant creates a cryptic 5' donor site. However, these predictions have yet to be confirmed by functional studies. The variant allele was found at a frequency of 0.00066 in 251472 control chromosomes in the gnomAD database, including 2 homozygote. This frequency is not significantly higher than estimated for a pathogenic variant in MOCS1 causing Sulfite Oxidase Deficiency Due To Molybdenum Cofactor Deficiency Type A, allowing no conclusion about variant significance. To our knowledge, no occurrence of c.870+19G>A in individuals affected with Sulfite Oxidase Deficiency Due To Molybdenum Cofactor Deficiency Type A and no experimental evidence demonstrating its impact on protein function have been reported. ClinVar contains an entry for this variant (Variation ID: 1539118). Based on the evidence outlined above, the variant was classified as uncertain significance.

Blueprint Genetics
Classification: Likely benign. Last evaluated: 2024-10-31. Review status: criteria provided, single submitter. Criteria: ACMG Guidelines, 2015. Collection method: clinical testing. Allele origin: germline.